The following is an entry in ClinVar:

NM_017882.3(CLN6):c.757C>G (p.Leu253Val)

Gene: CLN6 (CLN6 transmembrane ER protein; minus strand). Cytogenetic location: 15q23.
Variant type: single nucleotide variant.
Coding change: c.757C>G on transcript NM_017882.3 (MANE Select); coding-DNA position 757, C replaced by G.
Protein change: p.Leu253Val; replaces leucine 253 with valine.
Molecular consequence: missense variant.
Genome position (GRCh38, 1-based): chr15:68,208,319, G>C on the plus strand (C>G on the coding strand, the complement: CLN6 is on the minus strand). VCF-style: chr15-68208319-G-C. GRCh37 (hg19) VCF-style: chr15-68500657-G-C.
Other names: c.757C>G (NM_017882.2); short protein forms L253V.
Identifiers: ClinVar variation 1434998 (VCV001434998.6), dbSNP rs1274562752, ClinGen allele CA392972012.

ClinVar aggregate classification (germline): Uncertain significance. Review status: criteria provided, multiple submitters, no conflicts (2 of 4 stars). 2 submissions from 2 submitters: Uncertain significance (2). Last evaluated 2025-12-11.

Conditions:
Neuronal ceroid lipofuscinosis. Also called: Neuronal Ceroid Lipofuscinoses. Identifiers: Orphanet 216, Orphanet 79263, MedGen C0027877, MONDO:0016295. Disease mechanism: loss of function.
Inborn genetic diseases. Identifiers: MedGen C0950123, MeSH D030342.

Allele frequency attached by ClinVar (database versions not stated): gnomAD exomes below 0.00001; gnomAD 0.00001; TOPMed 0.00001.
gnomAD v4.1: 2 of 1,614,050 alleles (0.00012%); highest among the groups gnomAD compares: African/African-American, 0.0027%; no homozygotes.

Submissions (2):

Ambry Genetics
Classification: Uncertain significance for Inborn genetic diseases. Last evaluated: 2025-12-11. Review status: criteria provided, single submitter. Criteria: Ambry Variant Classification Scheme 2023. Collection method: clinical testing. Allele origin: germline.

Labcorp Genetics (formerly Invitae), Labcorp
Classification: Uncertain significance for Neuronal ceroid lipofuscinosis. Last evaluated: 2022-03-29. Review status: criteria provided, single submitter. Criteria: Invitae Variant Classification Sherloc (09022015). Collection method: clinical testing. Allele origin: germline.
Comment: This sequence change replaces leucine, which is neutral and non-polar, with valine, which is neutral and non-polar, at codon 253 of the CLN6 protein (p.Leu253Val). This variant is present in population databases (no rsID available, gnomAD 0.007%). This variant has not been reported in the literature in individuals affected with CLN6-related conditions. Algorithms developed to predict the effect of missense changes on protein structure and function are either unavailable or do not agree on the potential impact of this missense change (SIFT: "Deleterious"; PolyPhen-2: "Probably Damaging"; Align-GVGD: "Class C0"). In summary, the available evidence is currently insufficient to determine the role of this variant in disease. Therefore, it has been classified as a Variant of Uncertain Significance.